The following is an entry in ClinVar:

NM_000780.4(CYP7A1):c.908+5C>T

Gene: CYP7A1 (cytochrome P450 family 7 subfamily A member 1; minus strand). Cytogenetic location: 8q12.1.
Variant type: single nucleotide variant.
Coding change: c.908+5C>T on transcript NM_000780.4 (MANE Select); 5 bases into the intron after coding-DNA position 908, C replaced by T.
Molecular consequence: intron variant.
Genome position (GRCh38, 1-based): chr8:58,496,599, G>A on the plus strand (C>T on the coding strand, the complement: CYP7A1 is on the minus strand). VCF-style: chr8-58496599-G-A. GRCh37 (hg19) VCF-style: chr8-59409158-G-A.
Identifiers: ClinVar variation 2692798 (VCV002692798.3), dbSNP rs1368115076, ClinGen allele CA582403228.

ClinVar aggregate classification (germline): Uncertain significance (1 of 4 stars; one submission).

Allele frequency attached by ClinVar (database versions not stated): gnomAD exomes below 0.00001.
gnomAD v4.1: 3 of 1,606,802 alleles (0.00019%); highest among the groups gnomAD compares: East Asian, 0.0022%; no homozygotes.

Submission:

Labcorp Genetics (formerly Invitae), Labcorp
Classification: Uncertain significance. Last evaluated: 2024-10-16. Review status: criteria provided, single submitter. Criteria: Invitae Variant Classification Sherloc (09022015). Collection method: clinical testing. Allele origin: germline.
Comment: This sequence change falls in intron 3 of the CYP7A1 gene. It does not directly change the encoded amino acid sequence of the CYP7A1 protein. It affects a nucleotide within the consensus splice site. This variant is present in population databases (no rsID available, gnomAD 0.0009%). This variant has not been reported in the literature in individuals affected with CYP7A1-related conditions. Variants that disrupt the consensus splice site are a relatively common cause of aberrant splicing (PMID: 17576681, 9536098). Algorithms developed to predict the effect of sequence changes on RNA splicing suggest that this variant is not likely to affect RNA splicing. In summary, the available evidence is currently insufficient to determine the role of this variant in disease. Therefore, it has been classified as a Variant of Uncertain Significance.

Literature cited by the submitters: PubMed 17576681; PubMed 9536098.